The following is an entry in ClinVar:

ClinVar aggregate classification (germline): Uncertain significance. Review status: criteria provided, multiple submitters, no conflicts (2 of 4 stars). 2 submissions from 2 submitters: Uncertain significance (2). Last evaluated 2025-02-10.

Conditions:
Fanconi anemia (FA). Also called: Fanconi's anemia. Identifiers: Orphanet 84, MedGen C0015625, MeSH D005199, MONDO:0019391.
Fanconi anemia complementation group I (FANCI). Also called: FANCI-Related Fanconi Anemia. Identifiers: Orphanet 84, MedGen C1836861, MONDO:0012186, OMIM 609053.

Allele frequency attached by ClinVar (database versions not stated): gnomAD 0.00001; TOPMed 0.00001; ExAC 0.00002.
gnomAD v4.1: 16 of 1,613,334 alleles (0.00099%); highest among the groups gnomAD compares: Admixed American, 0.012%; no homozygotes.

Submissions (2):

Labcorp Genetics (formerly Invitae), Labcorp
Classification: Uncertain significance for Fanconi anemia. Last evaluated: 2025-02-10. Review status: criteria provided, single submitter. Criteria: Invitae Variant Classification Sherloc (09022015). Collection method: clinical testing. Allele origin: germline.
Comment: This sequence change replaces serine, which is neutral and polar, with leucine, which is neutral and non-polar, at codon 895 of the FANCI protein (p.Ser895Leu). This variant is present in population databases (rs762647324, gnomAD 0.01%). This variant has not been reported in the literature in individuals affected with FANCI-related conditions. ClinVar contains an entry for this variant (Variation ID: 653897). An algorithm developed to predict the effect of missense changes on protein structure and function outputs the following: PolyPhen-2: "Benign". The leucine amino acid residue is found in multiple mammalian species, which suggests that this missense change does not adversely affect protein function. In summary, the available evidence is currently insufficient to determine the role of this variant in disease. Therefore, it has been classified as a Variant of Uncertain Significance.

Fulgent Genetics
Classification: Uncertain significance for Fanconi anemia complementation group I. Last evaluated: 2022-03-15. Review status: criteria provided, single submitter. Criteria: ACMG Guidelines, 2015. Collection method: clinical testing. Allele origin: unknown.

NM_001113378.2(FANCI):c.2684C>T (p.Ser895Leu)

Gene: FANCI (FA complementation group I; plus strand). Cytogenetic location: 15q26.1.
Variant type: single nucleotide variant.
Coding change: c.2684C>T on transcript NM_001113378.2 (MANE Select); coding-DNA position 2684, C replaced by T.
Protein change: p.Ser895Leu; replaces serine 895 with leucine.
Molecular consequence: missense variant.
Genome position (GRCh38, 1-based): chr15:89,299,847, C>T. VCF-style: chr15-89299847-C-T. GRCh37 (hg19) VCF-style: chr15-89843078-C-T.
Other names: c.2405C>T, p.Ser802Leu (NM_001376910.1); c.2684C>T, p.Ser895Leu (NM_001376911.1); c.2504C>T, p.Ser835Leu (NM_018193.3); short protein forms S895L, S835L, S802L.
Identifiers: ClinVar variation 653897 (VCV000653897.7), dbSNP rs762647324, ClinGen allele CA7723438.